The following is an entry in ClinVar:

NM_000245.4(MET):c.3054C>A (p.Asn1018Lys)

Gene: MET (MET proto-oncogene, receptor tyrosine kinase; plus strand). Cytogenetic location: 7q31.2.
Variant type: single nucleotide variant.
Coding change: c.3054C>A on transcript NM_000245.4 (MANE Select); coding-DNA position 3054, C replaced by A.
Protein change: p.Asn1018Lys; replaces asparagine 1018 with lysine.
Molecular consequence: missense variant.
Genome position (GRCh38, 1-based): chr7:116,774,906, C>A. VCF-style: chr7-116774906-C-A. GRCh37 (hg19) VCF-style: chr7-116414960-C-A.
Other names: c.3108C>A, p.Asn1036Lys (NM_001127500.3); c.1764C>A, p.Asn588Lys (NM_001324402.2); short protein forms N588K, N1018K, N1036K.
Identifiers: ClinVar variation 4647815 (VCV004647815.2).
Genomic context (GRCh38, chr7:116,774,906, plus strand): 5'-CTGTTGTTCTTTAATAATTTTCCTTCATCTTACAGATCAGTTTCCTAATTCATCTCAGAA[C>A]GGTTCATGCCGACAAGTGCAGTATCCTCTGACAGACATGTCCCCCATCCTAACTAGTGGG-3'
Protein context (NP_000236.2, residues 1008-1028): PEDQFPNSSQ[Asn1018Lys]GSCRQVQYPL

ClinVar aggregate classification (germline): Uncertain significance. Review status: criteria provided, multiple submitters, no conflicts (2 of 4 stars). 2 submissions from 2 submitters: Uncertain significance (2). Last evaluated 2025-10-23.

Conditions:
Renal cell carcinoma. Identifiers: Orphanet 217071, MedGen C0007134, MeSH D002292, MONDO:0005086, HP:0005584.
Hereditary cancer-predisposing syndrome. Also called: Neoplastic Syndromes, Hereditary; Tumor predisposition; Hereditary Cancer Syndrome; Hereditary neoplastic syndrome. Identifiers: Orphanet 140162, MedGen C0027672, MeSH D009386, MONDO:0015356.

gnomAD v4.1: 1 of 1,614,076 alleles (0.000062%); no homozygotes.

Submissions (2):

Labcorp Genetics (formerly Invitae), Labcorp
Classification: Uncertain significance for Renal cell carcinoma. Last evaluated: 2025-10-23. Review status: criteria provided, single submitter. Criteria: Invitae Variant Classification Sherloc (09022015). Collection method: clinical testing. Allele origin: germline.
Comment: This sequence change replaces asparagine, which is neutral and polar, with lysine, which is basic and polar, at codon 1036 of the MET protein (p.Asn1036Lys). This variant is not present in population databases (gnomAD no frequency). This variant has not been reported in the literature in individuals affected with MET-related conditions. An algorithm developed to predict the effect of missense changes on protein structure and function (PolyPhen-2) suggests that this variant is likely to be disruptive. In summary, the available evidence is currently insufficient to determine the role of this variant in disease. Therefore, it has been classified as a Variant of Uncertain Significance.

Ambry Genetics
Classification: Uncertain significance for Hereditary cancer-predisposing syndrome. Last evaluated: 2025-10-21. Review status: criteria provided, single submitter. Criteria: Ambry Variant Classification Scheme 2023. Collection method: clinical testing. Allele origin: germline.
Comment: The p.N1036K variant (also known as c.3108C>A), located in coding exon 14 of the MET gene, results from a C to A substitution at nucleotide position 3108. The asparagine at codon 1036 is replaced by lysine, an amino acid with similar properties. This amino acid position is highly conserved in available vertebrate species. In addition, this alteration is predicted to be tolerated by in silico analysis. Based on the available evidence, the clinical significance of this variant remains unclear.